The following is an entry in ClinVar:

ClinVar aggregate classification (germline): Likely benign. Review status: criteria provided, multiple submitters, no conflicts (2 of 4 stars). 6 submissions from 6 submitters: Likely benign (4). 2 of the submissions do not count toward it. Last evaluated 2025-05-06.

Conditions:
Arrhythmogenic right ventricular dysplasia 8 (ARVD8). Also called: ARRHYTHMOGENIC RIGHT VENTRICULAR DYSPLASIA, FAMILIAL, 8; ARRHYTHMOGENIC RIGHT VENTRICULAR CARDIOMYOPATHY 8; Arrhythmogenic Right Ventricular Dysplasia/Cardiomyopathy 8. Identifiers: MedGen C1843896, MONDO:0011831, OMIM 607450.
Arrhythmogenic cardiomyopathy with wooly hair and keratoderma. Also called: Carvajal syndrome; Dilated cardiomyopathy with woolly hair and keratoderma; PALMOPLANTAR KERATODERMA WITH LEFT VENTRICULAR CARDIOMYOPATHY AND WOOLLY HAIR; Arrhythmogenic cardiomyopathy with woolly hair and keratoderma. Identifiers: Orphanet 65282, MedGen C1854063, MONDO:0011581, OMIM 605676.
Cardiovascular phenotype. Identifiers: MedGen CN230736.
Cardiomyopathy (CMYO). Also called: Cardiomyopathies. Identifiers: Orphanet 167848, MedGen C0878544, MONDO:0004994, HP:0001638. Inheritance: Various modes of inheritance.

Allele frequency attached by ClinVar (database versions not stated): gnomAD 0.00001; gnomAD exomes 0.00001.
gnomAD v4.1: 5 of 1,614,046 alleles (0.00031%); highest among the groups gnomAD compares: Non-Finnish European, 0.00042%; no homozygotes.

Submissions (6):

Ambry Genetics
Classification: Likely benign for Cardiovascular phenotype. Last evaluated: 2025-05-06. Review status: criteria provided, single submitter. Criteria: Ambry Variant Classification Scheme 2023. Collection method: clinical testing. Allele origin: germline.

All of Us Research Program, National Institutes of Health
Classification: Likely benign for Arrhythmogenic cardiomyopathy with wooly hair and keratoderma. Last evaluated: 2024-02-22. Review status: criteria provided, single submitter. Criteria: ACMG Guidelines, 2015. Collection method: clinical testing. Allele origin: germline. Inheritance: Autosomal dominant inheritance. Observed: 1 variant allele, 1 heterozygote.
Comment: This study involves interpretation of variants in research participants for the purpose of population health screening. Participant phenotype was not available at the time of variant classification. Additional details can be found in publication PMID: 35346344, PMCID: PMC8962531

Color Diagnostics, LLC DBA Color Health
Classification: Likely benign for Cardiomyopathy. Last evaluated: 2022-10-10. Review status: criteria provided, single submitter. Criteria: ACMG Guidelines, 2015. Collection method: clinical testing. Allele origin: germline.

Labcorp Genetics (formerly Invitae), Labcorp
Classification: Likely benign for Arrhythmogenic cardiomyopathy with wooly hair and keratoderma; Arrhythmogenic right ventricular dysplasia 8. Last evaluated: 2020-06-30. Review status: criteria provided, single submitter. Criteria: Invitae Variant Classification Sherloc (09022015). Collection method: clinical testing. Allele origin: germline.

Genome Diagnostics Laboratory, University Medical Center Utrecht
Classification: Likely benign. Review status: no assertion criteria provided. Collection method: clinical testing. Allele origin: germline. Affected: yes. Study: VKGL Data-share Consensus. Not counted in ClinVar's aggregate classification.

Joint Genome Diagnostic Labs from Nijmegen and Maastricht, Radboudumc and MUMC+
Classification: Likely benign. Review status: no assertion criteria provided. Collection method: clinical testing. Allele origin: germline. Affected: yes. Study: VKGL Data-share Consensus. Not counted in ClinVar's aggregate classification.

NM_004415.4(DSP):c.6930A>G (p.Leu2310=)

Gene: DSP (desmoplakin; plus strand). Cytogenetic location: 6p24.3.
Variant type: single nucleotide variant.
Coding change: c.6930A>G on transcript NM_004415.4 (MANE Select); coding-DNA position 6930, A replaced by G.
Protein change: p.Leu2310=; no amino-acid change (leucine 2310 retained).
Molecular consequence: synonymous variant.
Genome position (GRCh38, 1-based): chr6:7,584,192, A>G. VCF-style: chr6-7584192-A-G. GRCh37 (hg19) VCF-style: chr6-7584425-A-G.
Other names: c.6930A>G (NM_004415.2); c.5133A>G, p.Leu1711= (NM_001008844.3); c.5601A>G, p.Leu1867= (NM_001319034.2).
Identifiers: ClinVar variation 1110130 (VCV001110130.16), dbSNP rs1759552189, ClinGen allele CA448716680.